The following is an entry in ClinVar:

ClinVar aggregate classification (germline): Uncertain significance. Review status: criteria provided, multiple submitters, no conflicts (2 of 4 stars). 3 submissions from 3 submitters: Uncertain significance (3). Last evaluated 2025-04-10.

Conditions:
Melanoma-pancreatic cancer syndrome. Identifiers: Orphanet 404560, MedGen C1838547, MONDO:0011713, OMIM 606719. Disease mechanism: loss of function.
Melanoma, cutaneous malignant, susceptibility to, 2 (CMM2). Also called: Cutaneous malignant melanoma 2; CDKN2A-Related Cutaneous Malignant Melanoma. Identifiers: Orphanet 618, MedGen C1835044, MONDO:0007964, OMIM 155601.
Melanoma and neural system tumor syndrome. Also called: MELANOMA-ASTROCYTOMA SYNDROME. Identifiers: Orphanet 252206, MedGen C1835042, MONDO:0007967, OMIM 155755.
Familial melanoma. Also called: Hereditary melanoma; Hereditary cutaneous melanoma. Identifiers: Orphanet 618, MedGen C1512419, MONDO:0018961.
Hereditary cancer-predisposing syndrome. Also called: Neoplastic Syndromes, Hereditary; Hereditary Cancer Syndrome; Tumor predisposition; Hereditary neoplastic syndrome. Identifiers: Orphanet 140162, MedGen C0027672, MeSH D009386, MONDO:0015356.

Allele frequency attached by ClinVar (database versions not stated): TOPMed 0.00001; gnomAD exomes 0.00002 and 0.00001; gnomAD 0.00001.
gnomAD v4.1: 7 of 1,606,214 alleles (0.00044%); highest among the groups gnomAD compares: Admixed American, 0.012%; no homozygotes.

Submissions (3):

Ambry Genetics
Classification: Uncertain significance for Hereditary cancer-predisposing syndrome. Last evaluated: 2025-04-10. Review status: criteria provided, single submitter. Criteria: Ambry Variant Classification Scheme 2023. Collection method: clinical testing. Allele origin: germline.
Comment: The p.R29W variant (also known as c.85C>T), located in coding exon 1 of the CDKN2A (p14ARF) gene, results from a C to T substitution at nucleotide position 85. The arginine at codon 29 is replaced by tryptophan, an amino acid with dissimilar properties. This amino acid position is well conserved in available vertebrate species. Based on the available evidence, the clinical significance of this variant remains unclear.

Fulgent Genetics
Classification: Uncertain significance for Melanoma, cutaneous malignant, susceptibility to, 2; Melanoma and neural system tumor syndrome; Melanoma-pancreatic cancer syndrome. Last evaluated: 2024-05-06. Review status: criteria provided, single submitter. Criteria: ACMG Guidelines, 2015. Collection method: clinical testing. Allele origin: germline.

Labcorp Genetics (formerly Invitae), Labcorp
Classification: Uncertain significance for Familial melanoma. Last evaluated: 2021-09-16. Review status: criteria provided, single submitter. Criteria: Invitae Variant Classification Sherloc (09022015). Collection method: clinical testing. Allele origin: germline.

NM_058195.4(CDKN2A):c.85C>T (p.Arg29Trp)

Gene: CDKN2A (cyclin dependent kinase inhibitor 2A; minus strand). Cytogenetic location: 9p21.3.
Variant type: single nucleotide variant.
Coding change: c.85C>T on transcript NM_058195.4 (MANE Plus Clinical); coding-DNA position 85, C replaced by T.
Protein change: p.Arg29Trp; replaces arginine 29 with tryptophan.
Molecular consequence: missense variant. On other transcripts: intron variant (1).
Genome position (GRCh38, 1-based): chr9:21,994,247, G>A on the plus strand (C>T on the coding strand, the complement: CDKN2A is on the minus strand). VCF-style: chr9-21994247-G-A. GRCh37 (hg19) VCF-style: chr9-21994246-G-A.
Other names: c.-4+574C>T (NM_001363763.2); short protein forms R29W.
Identifiers: ClinVar variation 463521 (VCV000463521.10), dbSNP rs1316222103, ClinGen allele CA373086973.